The following is an entry in ClinVar:

NM_006516.4(SLC2A1):c.1158_1162del (p.Ile386fs)

Gene: SLC2A1 (solute carrier family 2 member 1; minus strand). Cytogenetic location: 1p34.2.
Variant type: Microsatellite.
Coding change: c.1158_1162del on transcript NM_006516.4 (MANE Select); coding-DNA positions 1158 to 1162, 5 bases deleted (CCCAT; older notation c.1158_1162delCCCAT).
Protein change: p.Ile386fs; shifts the reading frame from isoleucine 386.
Molecular consequence: frameshift variant.
Genome position (GRCh38, 1-based): chr1:42,927,721-42,927,725, ATGGG deleted on the plus strand (CCCAT on the coding strand, the reverse complement: SLC2A1 is on the minus strand); deleting any 5 consecutive bases within chr1:42,927,721-42,927,730 gives the same sequence; the c. name uses the placement nearest the transcript's 3' end. VCF-style (leftmost placement, unchanged base first): chr1-42927720-CATGGG-C. GRCh37 (hg19) VCF-style: chr1-43393391-CATGGG-C.
Other names: c.1158_1162delCCCAT (NM_006516.2); short protein forms I386fs.
Identifiers: ClinVar variation 265692 (VCV000265692.3), dbSNP rs886039737, ClinGen allele CA10588295.
Genomic context (GRCh38, chr1:42,927,720, plus strand): 5'-CCTGCAACGGCAATGGCAGCTGGACGTGGACCCTGGCTGAAGAGTTCAGCCACGATGAAC[CATGGG>C]ATGGGGCCAGGACCCACTTCAAAGAAGGCCACAAAGCCAAAGATGGCCACGATGCTCAGA-3'

ClinVar aggregate classification (germline): Pathogenic (1 of 4 stars; one submission).

Submission:

GeneDx
Classification: Pathogenic. Last evaluated: 2021-05-12. Review status: criteria provided, single submitter. Criteria: GeneDx Variant Classification Process June 2021. Collection method: clinical testing. Allele origin: germline. Affected: yes.
Comment: Frameshift variant predicted to result in protein truncation or nonsense mediated decay in a gene for which loss-of-function is a known mechanism of disease; Not observed in large population cohorts (Lek et al., 2016); Has not been previously published as pathogenic or benign to our knowledge